The following is an entry in ClinVar:

ClinVar aggregate classification (germline): Uncertain significance (1 of 4 stars; one submission).

Submission:

CeGaT Center for Human Genetics Tuebingen
Classification: Uncertain significance. Last evaluated: 2026-08-01. Review status: criteria provided, single submitter. Criteria: CeGaT Center For Human Genetics Tuebingen Variant Classification Criteria Version 2. Collection method: clinical testing. Allele origin: germline. Affected: yes. Observed: 1 variant allele.
Comment: OPA1: PM2

NM_130837.3(OPA1):c.2222C>G (p.Thr741Arg)

Gene: OPA1 (OPA1 mitochondrial dynamin like GTPase; plus strand). Cytogenetic location: 3q29.
Variant type: single nucleotide variant.
Coding change: c.2222C>G on transcript NM_130837.3 (MANE Select); coding-DNA position 2222, C replaced by G.
Protein change: p.Thr741Arg; replaces threonine 741 with arginine.
Molecular consequence: missense variant.
Genome position (GRCh38, 1-based): chr3:193,657,123, C>G. VCF-style: chr3-193657123-C-G. GRCh37 (hg19) VCF-style: chr3-193374912-C-G.
Other names: c.1688C>G, p.Thr563Arg (NM_001354663.2); c.1685C>G, p.Thr562Arg (NM_001354664.2); c.2057C>G, p.Thr686Arg (NM_015560.3); c.1949C>G, p.Thr650Arg (NM_130831.3); c.2003C>G, p.Thr668Arg (NM_130832.3); c.2060C>G, p.Thr687Arg (NM_130833.3); c.2111C>G, p.Thr704Arg (NM_130834.3); c.2114C>G, p.Thr705Arg (NM_130835.3); and 1 more; short protein forms T562R, T563R, T650R, T668R, T686R, T687R, T704R, T705R.
Identifiers: ClinVar variation 5040498 (VCV005040498.1).